The following is an entry in ClinVar:

ClinVar aggregate classification (germline): Likely benign (1 of 4 stars; one submission).

Submission:

CeGaT Center for Human Genetics Tuebingen
Classification: Likely benign. Last evaluated: 2025-03-01. Review status: criteria provided, single submitter. Criteria: CeGaT Center For Human Genetics Tuebingen Variant Classification Criteria Version 2. Collection method: clinical testing. Allele origin: germline. Affected: yes. Observed: 1 variant allele.
Comment: FRMPD4: PM2:Supporting, BP4, BP7

NM_001368397.1(FRMPD4):c.1902A>C (p.Ser634=)

Gene: FRMPD4 (FERM and PDZ domain containing 4; plus strand). Cytogenetic location: Xp22.2.
Variant type: single nucleotide variant.
Coding change: c.1902A>C on transcript NM_001368397.1 (MANE Select); coding-DNA position 1902, A replaced by C.
Protein change: p.Ser634=; no amino-acid change (serine 634 retained).
Molecular consequence: synonymous variant.
Genome position (GRCh38, 1-based): chrX:12,716,361, A>C. VCF-style: chrX-12716361-A-C. GRCh37 (hg19) VCF-style: chrX-12734480-A-C.
Other names: c.2013A>C, p.Ser671= (NM_001368395.3, NM_001368398.3); c.1908A>C, p.Ser636= (NM_001368396.3); c.1893A>C, p.Ser631= (NM_001368399.3); c.1782A>C, p.Ser594= (NM_001368400.3); c.1878A>C, p.Ser626= (NM_001368401.1, NM_001368402.3); c.1902A>C, p.Ser634= (NM_014728.3).
Identifiers: ClinVar variation 3778037 (VCV003778037.7).